The following is an entry in ClinVar:

NM_002772.3(TMPRSS15):c.1304A>G (p.His435Arg)

Gene: TMPRSS15 (transmembrane serine protease 15; minus strand). Cytogenetic location: 21q21.1.
Variant type: single nucleotide variant.
Coding change: c.1304A>G on transcript NM_002772.3 (MANE Select); coding-DNA position 1304, A replaced by G.
Protein change: p.His435Arg; replaces histidine 435 with arginine.
Molecular consequence: missense variant.
Genome position (GRCh38, 1-based): chr21:18,343,630, T>C on the plus strand (A>G on the coding strand, the complement: TMPRSS15 is on the minus strand). VCF-style: chr21-18343630-T-C. GRCh37 (hg19) VCF-style: chr21-19715947-T-C.
Other names: short protein forms H435R.
Identifiers: ClinVar variation 780627 (VCV000780627.12), dbSNP rs61735771, ClinGen allele CA9984468.

ClinVar aggregate classification (germline): Benign/Likely benign. Review status: criteria provided, multiple submitters, no conflicts (2 of 4 stars). 3 submissions from 3 submitters: Benign (1); Likely benign (1). 1 of the submissions does not count toward it. Last evaluated 2026-01-26.

Conditions:
TMPRSS15-related disorder. Also called: TMPRSS15-related condition.

Allele frequency attached by ClinVar (database versions not stated): gnomAD exomes 0.00077 and 0.00169; ExAC 0.00203; 1000 Genomes Project 0.00539; 1000 Genomes Project 30x 0.00593; gnomAD 0.00598 and 0.00644; TOPMed 0.00683; ESP Exome Variant Server 0.00700.
gnomAD v4.1: 2,087 of 1,613,776 alleles (0.13%); highest among the groups gnomAD compares: African/African-American, 2%; 15 homozygotes.

Submissions (3):

Labcorp Genetics (formerly Invitae), Labcorp
Classification: Benign. Last evaluated: 2026-01-26. Review status: criteria provided, single submitter. Criteria: Invitae Variant Classification Sherloc (09022015). Collection method: clinical testing. Allele origin: germline.

Blueprint Genetics
Classification: Likely benign. Last evaluated: 2024-11-04. Review status: criteria provided, single submitter. Criteria: ACMG Guidelines, 2015. Collection method: clinical testing. Allele origin: germline.

PreventionGenetics, part of Exact Sciences
Classification: Benign for TMPRSS15-related condition. Last evaluated: 2019-06-24. Review status: no assertion criteria provided. Collection method: clinical testing. Allele origin: germline. Not counted in ClinVar's aggregate classification.
Comment: This variant is classified as benign based on ACMG/AMP sequence variant interpretation guidelines (Richards et al. 2015 PMID: 25741868, with internal and published modifications).